The following is an entry in ClinVar:

NM_001040108.2(MLH3):c.684T>G (p.Phe228Leu)

Gene: MLH3 (mutL homolog 3; minus strand). Cytogenetic location: 14q24.3.
Variant type: single nucleotide variant.
Coding change: c.684T>G on transcript NM_001040108.2 (MANE Select); coding-DNA position 684, T replaced by G.
Protein change: p.Phe228Leu; replaces phenylalanine 228 with leucine.
Molecular consequence: missense variant.
Genome position (GRCh38, 1-based): chr14:75,048,972, A>C on the plus strand (T>G on the coding strand, the complement: MLH3 is on the minus strand). VCF-style: chr14-75048972-A-C. GRCh37 (hg19) VCF-style: chr14-75515675-A-C.
Other names: c.684T>G, p.Phe228Leu (NM_014381.3); short protein forms F228L.
Identifiers: ClinVar variation 1755796 (VCV001755796.2), dbSNP rs2503320104, ClinGen allele CA390449619.

ClinVar aggregate classification (germline): Uncertain significance (1 of 4 stars; one submission).

Submission:

Ambry Genetics
Classification: Uncertain significance. Last evaluated: 2022-05-30. Review status: criteria provided, single submitter. Criteria: Ambry Variant Classification Scheme 2023. Collection method: clinical testing. Allele origin: germline.
Comment: The p.F228L variant (also known as c.684T>G), located in coding exon 1 of the MLH3 gene, results from a T to G substitution at nucleotide position 684. The phenylalanine at codon 228 is replaced by leucine, an amino acid with highly similar properties. This amino acid position is conserved. In addition, this alteration is predicted to be tolerated by in silico analysis. Since supporting evidence is limited at this time, the clinical significance of this alteration remains unclear.